The following is an entry in ClinVar:

ClinVar aggregate classification (germline): Likely pathogenic (1 of 4 stars; one submission).

Conditions:
Jeune thoracic dystrophy. Also called: Jeune syndrome; Infantile thoracic dystrophy; Thoracic pelvic phalangeal dystrophy; Jeune's syndrome; Chondroectodermal dysplasia-like syndrome; Short-rib thoracic dysplasia. Identifiers: Orphanet 474, MedGen C0265275, MONDO:0018770.

Submission:

Labcorp Genetics (formerly Invitae), Labcorp
Classification: Likely pathogenic for Jeune thoracic dystrophy. Last evaluated: 2023-10-29. Review status: criteria provided, single submitter. Criteria: Invitae Variant Classification Sherloc (09022015). Collection method: clinical testing. Allele origin: germline.
Comment: This sequence change affects an acceptor splice site in intron 56 of the DYNC2H1 gene. It is expected to disrupt RNA splicing. Variants that disrupt the donor or acceptor splice site typically lead to a loss of protein function (PMID: 16199547), and loss-of-function variants in DYNC2H1 are known to be pathogenic (PMID: 23339108, 32753734, 33755199). This variant is not present in population databases (gnomAD no frequency). This variant has not been reported in the literature in individuals affected with DYNC2H1-related conditions. Algorithms developed to predict the effect of sequence changes on RNA splicing suggest that this variant may disrupt the consensus splice site. In summary, the currently available evidence indicates that the variant is pathogenic, but additional data are needed to prove that conclusively. Therefore, this variant has been classified as Likely Pathogenic.

Literature cited by the submitters: PubMed 16199547; PubMed 23339108; PubMed 32753734; PubMed 33755199.

NM_001377.3(DYNC2H1):c.8947-2A>G

Gene: DYNC2H1 (dynein cytoplasmic 2 heavy chain 1; plus strand). Cytogenetic location: 11q22.3.
Variant type: single nucleotide variant.
Coding change: c.8947-2A>G on transcript NM_001377.3 (MANE Select); the canonical splice acceptor site of the intron before coding-DNA position 8947, A replaced by G.
Molecular consequence: splice acceptor variant.
Genome position (GRCh38, 1-based): chr11:103,220,621, A>G. VCF-style: chr11-103220621-A-G. GRCh37 (hg19) VCF-style: chr11-103091350-A-G.
Other names: c.8947-2A>G (NM_001080463.2).
Identifiers: ClinVar variation 2772606 (VCV002772606.3), dbSNP rs2496453086, ClinGen allele CA382262643.